The following is an entry in ClinVar:

ClinVar aggregate classification (germline): Uncertain significance (1 of 4 stars; one submission).

Conditions:
Pitt-Hopkins syndrome (PTHS). Also called: MENTAL RETARDATION, SYNDROMAL, WITH INTERMITTENT HYPERVENTILATION; ENCEPHALOPATHY, SEVERE EPILEPTIC, WITH AUTONOMIC DYSFUNCTION. Identifiers: Orphanet 2896, MedGen C1970431, MONDO:0012589, OMIM 610954.

Submission:

Labcorp Genetics (formerly Invitae), Labcorp
Classification: Uncertain significance for Pitt-Hopkins syndrome. Last evaluated: 2023-03-20. Review status: criteria provided, single submitter. Criteria: Invitae Variant Classification Sherloc (09022015). Collection method: clinical testing. Allele origin: germline.
Comment: This sequence change replaces glycine, which is neutral and non-polar, with aspartic acid, which is acidic and polar, at codon 129 of the TCF4 protein (p.Gly129Asp). This variant is not present in population databases (gnomAD no frequency). This variant has not been reported in the literature in individuals affected with TCF4-related conditions. Advanced modeling of protein sequence and biophysical properties (such as structural, functional, and spatial information, amino acid conservation, physicochemical variation, residue mobility, and thermodynamic stability) performed at Invitae indicates that this missense variant is not expected to disrupt TCF4 protein function. In summary, the available evidence is currently insufficient to determine the role of this variant in disease. Therefore, it has been classified as a Variant of Uncertain Significance.

NM_001083962.2(TCF4):c.386G>A (p.Gly129Asp)

Gene: TCF4 (transcription factor 4; minus strand). Cytogenetic location: 18q21.2.
Variant type: single nucleotide variant.
Coding change: c.386G>A on transcript NM_001083962.2 (MANE Select); coding-DNA position 386, G replaced by A.
Protein change: p.Gly129Asp; replaces glycine 129 with aspartic acid.
Molecular consequence: missense variant. On other transcripts: 5 prime UTR variant (4).
Genome position (GRCh38, 1-based): chr18:55,350,987, C>T on the plus strand (G>A on the coding strand, the complement: TCF4 is on the minus strand). VCF-style: chr18-55350987-C-T. GRCh37 (hg19) VCF-style: chr18-53018218-C-T.
Other names: c.173G>A, p.Gly58Asp (NM_001306208.1, NM_001243232.1); c.386G>A, p.Gly129Asp (NM_001330604.3, NM_001369567.1, NM_001369568.1 and 5 more transcripts); c.-5G>A (NM_001330605.3, NM_001348212.2, NM_001348213.2 and 1 more transcripts); c.260G>A, p.Gly87Asp (NM_001348211.2, NM_001243231.2); c.314G>A, p.Gly105Asp (NM_001348217.1, NM_001348218.2, NM_001348219.2 and 9 more transcripts); c.311G>A, p.Gly104Asp (NM_001348220.1, NM_001369576.1, NM_001369578.1 and 3 more transcripts); c.383G>A, p.Gly128Asp (NM_001369569.1, NM_001369570.1, NM_001369573.1); c.692G>A, p.Gly231Asp (NM_001243226.3); and 1 more; short protein forms G127D, G129D, G231D, G87D, G105D, G128D, G58D, G104D.
Identifiers: ClinVar variation 2847900 (VCV002847900.3), dbSNP rs2514752839, ClinGen allele CA402702699.